The following is an entry in ClinVar:

NM_000393.5(COL5A2):c.3107C>A (p.Pro1036His)

Gene: COL5A2 (collagen type V alpha 2 chain; minus strand). Cytogenetic location: 2q32.2.
Variant type: single nucleotide variant.
Coding change: c.3107C>A on transcript NM_000393.5 (MANE Select); coding-DNA position 3107, C replaced by A.
Protein change: p.Pro1036His; replaces proline 1036 with histidine.
Molecular consequence: missense variant.
Genome position (GRCh38, 1-based): chr2:189,049,387, G>T on the plus strand (C>A on the coding strand, the complement: COL5A2 is on the minus strand). VCF-style: chr2-189049387-G-T. GRCh37 (hg19) VCF-style: chr2-189914113-G-T.
Other names: c.3107C>A (NM_000393.3); short protein forms P1036H.
Identifiers: ClinVar variation 4777945 (VCV004777945.2).
Genomic context (GRCh38, chr2:189,049,387, plus strand): 5'-ATTTTCACTGTAGTACTCACTTCTGGTCCAGGTTCCCCTACAGGACCATTGGAGCCTGGG[G>T]GCCCCACAGGTCCAGGTGGACCTTTATCTCCTGTTGCACCAGTTGGTCCTACTTTTCCTG-3'
Protein context (NP_000384.2, residues 1026-1046): GDKGPPGPVG[Pro1036His]PGSNGPVGEP

ClinVar aggregate classification (germline): Uncertain significance. Review status: criteria provided, multiple submitters, no conflicts (2 of 4 stars). 2 submissions from 2 submitters: Uncertain significance (2). Last evaluated 2026-08-08.

Conditions:
Familial thoracic aortic aneurysm and aortic dissection (TAAD). Also called: Thoracic aortic aneurysms and dissections. Identifiers: Orphanet 91387, MedGen C4707243, MONDO:0019625.
Ehlers-Danlos syndrome, classic type, 1 (EDSCL1). Also called: EHLERS-DANLOS SYNDROME, GRAVIS TYPE; EHLERS-DANLOS SYNDROME, SEVERE CLASSIC TYPE; EDS I; Ehlers-Danlos syndrome, type 1; Ehlers-Danlos Syndrome, Classic Type, COL5A1-Related. Identifiers: MedGen C0268335, MONDO:0019567, OMIM 130000.

gnomAD v4.1: 2 of 1,613,408 alleles (0.00012%); highest among the groups gnomAD compares: Admixed American, 0.0017%; no homozygotes.

Submissions (2):

Ambry Genetics
Classification: Uncertain significance for Familial thoracic aortic aneurysm and aortic dissection. Last evaluated: 2026-08-08. Review status: criteria provided, single submitter. Criteria: Ambry Variant Classification Scheme 2023. Collection method: clinical testing. Allele origin: germline.
Comment: The p.P1036H variant (also known as c.3107C>A), located in coding exon 44 of the COL5A2 gene, results from a C to A substitution at nucleotide position 3107. The proline at codon 1036 is replaced by histidine, an amino acid with similar properties. This amino acid position is conserved. In addition, the in silico prediction for this alteration is inconclusive. Based on the available evidence, the clinical significance of this variant remains unclear.

Labcorp Genetics (formerly Invitae), Labcorp
Classification: Uncertain significance for Ehlers-Danlos syndrome, classic type, 1. Last evaluated: 2025-11-16. Review status: criteria provided, single submitter. Criteria: Invitae Variant Classification Sherloc (09022015). Collection method: clinical testing. Allele origin: germline.
Comment: This sequence change replaces proline, which is neutral and non-polar, with histidine, which is basic and polar, at codon 1036 of the COL5A2 protein (p.Pro1036His). This variant is not present in population databases (gnomAD no frequency). This variant has not been reported in the literature in individuals affected with COL5A2-related conditions. Invitae Evidence Modeling of protein sequence and biophysical properties (such as structural, functional, and spatial information, amino acid conservation, physicochemical variation, residue mobility, and thermodynamic stability) indicates that this missense variant is not expected to disrupt COL5A2 protein function with a negative predictive value of 80%. In summary, the available evidence is currently insufficient to determine the role of this variant in disease. Therefore, it has been classified as a Variant of Uncertain Significance.